The following is an entry in ClinVar:

NM_020812.4(DOCK6):c.4786C>T (p.Arg1596Trp)

Genes: DOCK6 (dedicator of cytokinesis 6; minus strand), DOCK6-AS1 (DOCK6 antisense RNA 1; plus strand). Cytogenetic location: 19p13.2.
Variant type: single nucleotide variant.
Coding change: c.4786C>T on transcript NM_020812.4 (MANE Select); coding-DNA position 4786, C replaced by T.
Protein change: p.Arg1596Trp; replaces arginine 1596 with tryptophan.
Molecular consequence: missense variant.
Genome position (GRCh38, 1-based): chr19:11,209,069, G>A on the plus strand (C>T on the coding strand, the complement: DOCK6 is on the minus strand). VCF-style: chr19-11209069-G-A. GRCh37 (hg19) VCF-style: chr19-11319745-G-A.
Other names: c.4891C>T, p.Arg1631Trp (NM_001367830.1); short protein forms R1596W, R1631W.
Identifiers: ClinVar variation 1675721 (VCV001675721.33), dbSNP rs764872626, ClinGen allele CA9206734.

ClinVar aggregate classification (germline): Uncertain significance (1 of 4 stars; one submission).

Allele frequency attached by ClinVar (database versions not stated): gnomAD exomes below 0.00001 and 0.00001; ExAC 0.00001.
gnomAD v4.1: 5 of 1,612,294 alleles (0.00031%); highest among the groups gnomAD compares: Admixed American, 0.0017%; no homozygotes.

Submission:

CeGaT Center for Human Genetics Tuebingen
Classification: Uncertain significance. Last evaluated: 2022-03-01. Review status: criteria provided, single submitter. Criteria: CeGaT Center For Human Genetics Tuebingen Variant Classification Criteria Version 2. Collection method: clinical testing. Allele origin: germline. Affected: yes. Observed: 1 variant allele.
Comment: DOCK6: PM2, PM3